The following is an entry in ClinVar:

NM_032043.3(BRIP1):c.3072G>A (p.Gly1024=)

Gene: BRIP1 (BRCA1 interacting DNA helicase 1; minus strand). Cytogenetic location: 17q23.2.
Variant type: single nucleotide variant.
Coding change: c.3072G>A on transcript NM_032043.3 (MANE Select); coding-DNA position 3072, G replaced by A.
Protein change: p.Gly1024=; no amino-acid change (glycine 1024 retained).
Molecular consequence: synonymous variant.
Genome position (GRCh38, 1-based): chr17:61,683,974, C>T on the plus strand (G>A on the coding strand, the complement: BRIP1 is on the minus strand). VCF-style: chr17-61683974-C-T. GRCh37 (hg19) VCF-style: chr17-59761335-C-T.
Identifiers: ClinVar variation 388801 (VCV000388801.18), dbSNP rs778500245, ClinGen allele CA8690403.

ClinVar aggregate classification (germline): Benign/Likely benign. Review status: criteria provided, multiple submitters, no conflicts (2 of 4 stars). 5 submissions from 5 submitters: Benign (1); Likely benign (4). Last evaluated 2025-02-16.

Conditions:
Familial cancer of breast. Also called: BREAST CANCER, FAMILIAL; hereditary breast carcinoma; Hereditary breast cancer. Identifiers: Orphanet 227535, MedGen C0346153, MONDO:0016419, OMIM 114480. Disease mechanism: loss of function.
Fanconi anemia complementation group J. Also called: BRIP1-Related Fanconi Anemia. Identifiers: Orphanet 84, MedGen C1836860, MONDO:0012187, OMIM 609054.
Hereditary cancer-predisposing syndrome. Also called: Neoplastic Syndromes, Hereditary; Hereditary neoplastic syndrome; Tumor predisposition; Hereditary Cancer Syndrome. Identifiers: Orphanet 140162, MedGen C0027672, MeSH D009386, MONDO:0015356.

Allele frequency attached by ClinVar (database versions not stated): TOPMed below 0.00001.
gnomAD v4.1: 1 of 1,614,100 alleles (0.000062%); highest among the groups gnomAD compares: Admixed American, 0.0017%; no homozygotes.

Submissions (5):

Labcorp Genetics (formerly Invitae), Labcorp
Classification: Likely benign for Familial cancer of breast; Fanconi anemia complementation group J. Last evaluated: 2025-02-16. Review status: criteria provided, single submitter. Criteria: Invitae Variant Classification Sherloc (09022015). Collection method: clinical testing. Allele origin: germline.

Myriad Genetics, Inc.
Classification: Benign for Familial cancer of breast. Last evaluated: 2024-09-09. Review status: criteria provided, single submitter. Criteria: Myriad Autosomal Dominant, Autosomal Recessive and X-Linked Classification Criteria (2023). Collection method: clinical testing. Allele origin: unknown.
Comment: This variant is considered benign. This variant is a silent/synonymous amino acid change and it is not expected to impact splicing.

Women's Health and Genetics/Laboratory Corporation of America, LabCorp
Classification: Likely benign. Last evaluated: 2023-02-09. Review status: criteria provided, single submitter. Criteria: LabCorp Variant Classification Summary - May 2015. Collection method: clinical testing. Allele origin: germline.

Ambry Genetics
Classification: Likely benign for Hereditary cancer-predisposing syndrome. Last evaluated: 2018-08-17. Review status: criteria provided, single submitter. Criteria: Ambry Variant Classification Scheme 2023. Collection method: clinical testing. Allele origin: germline.

GeneDx
Classification: Likely benign. Last evaluated: 2016-08-19. Review status: criteria provided, single submitter. Criteria: GeneDx Variant Classification (06012015). Collection method: clinical testing. Allele origin: germline. Affected: yes.
Comment: This variant is considered likely benign or benign based on one or more of the following criteria: it is a conservative change, it occurs at a poorly conserved position in the protein, it is predicted to be benign by multiple in silico algorithms, and/or has population frequency not consistent with disease.